The following is an entry in ClinVar:

ClinVar aggregate classification (germline): Benign (0 of 4 stars; one submission).

Conditions:
CSMD1-related disorder. Also called: CSMD1-related condition.

Allele frequency attached by ClinVar (database versions not stated): 1000 Genomes Project 30x 0.02014; 1000 Genomes Project 0.02117; TOPMed 0.03851; gnomAD 0.04062; ESP Exome Variant Server 0.04469; ExAC 0.04493; gnomAD exomes 0.05681.
gnomAD v4.1: 88,811 of 1,613,820 alleles (5.5%); highest among the groups gnomAD compares: Non-Finnish European, 6.3%; 2,758 homozygotes.

Submission:

PreventionGenetics, part of Exact Sciences
Classification: Benign for CSMD1-related condition. Last evaluated: 2019-03-05. Review status: no assertion criteria provided. Collection method: clinical testing. Allele origin: germline.
Comment: This variant is classified as benign based on ACMG/AMP sequence variant interpretation guidelines (Richards et al. 2015 PMID: 25741868, with internal and published modifications).

NM_033225.6(CSMD1):c.261A>G (p.Ser87=)

Gene: CSMD1 (CUB and Sushi multiple domains 1; minus strand). Cytogenetic location: 8p23.2.
Variant type: single nucleotide variant.
Coding change: c.261A>G on transcript NM_033225.6 (MANE Select); coding-DNA position 261, A replaced by G.
Protein change: p.Ser87=; no amino-acid change (serine 87 retained).
Molecular consequence: synonymous variant.
Genome position (GRCh38, 1-based): chr8:4,637,383, T>C on the plus strand (A>G on the coding strand, the complement: CSMD1 is on the minus strand). VCF-style: chr8-4637383-T-C. GRCh37 (hg19) VCF-style: chr8-4494905-T-C.
Identifiers: ClinVar variation 3037655 (VCV003037655.2), dbSNP rs17417724, ClinGen allele CA4609788.